The following is an entry in ClinVar:

NM_000093.5(COL5A1):c.2482C>G (p.Arg828Gly)

Gene: COL5A1 (collagen type V alpha 1 chain; plus strand). Cytogenetic location: 9q34.3.
Variant type: single nucleotide variant.
Coding change: c.2482C>G on transcript NM_000093.5 (MANE Select); coding-DNA position 2482, C replaced by G.
Protein change: p.Arg828Gly; replaces arginine 828 with glycine.
Molecular consequence: missense variant.
Genome position (GRCh38, 1-based): chr9:134,782,718, C>G. VCF-style: chr9-134782718-C-G. GRCh37 (hg19) VCF-style: chr9-137674564-C-G.
Other names: c.2482C>G, p.Arg828Gly (NM_001278074.1); short protein forms R828G.
Identifiers: ClinVar variation 1791939 (VCV001791939.2), dbSNP rs185912761, ClinGen allele CA375454106.
Genomic context (GRCh38, chr9:134,782,718, plus strand): 5'-CATATTCAGGGTGAAGACGGCTTTCCTGGGTTTAAAGGAGACATGGGCATCAAGGGTGAT[C>G]GGGTGAGCATCTCAGGTTTGGGATTTGGGCTGGGGAAAGCTGGGTGGGCTTGGCCGTGTG-3'
Protein context (NP_000084.3, residues 818-838): FKGDMGIKGD[Arg828Gly]GEIGPPGPRG

ClinVar aggregate classification (germline): Uncertain significance (1 of 4 stars; one submission).

Conditions:
Familial thoracic aortic aneurysm and aortic dissection (TAAD). Also called: Thoracic aortic aneurysms and dissections. Identifiers: Orphanet 91387, MedGen C4707243, MONDO:0019625.

gnomAD v4.1: 1 of 1,552,716 alleles (0.000064%); highest among the groups gnomAD compares: Non-Finnish European, 0.000087%; no homozygotes.

Submission:

Ambry Genetics
Classification: Uncertain significance for Familial thoracic aortic aneurysm and aortic dissection. Last evaluated: 2018-04-05. Review status: criteria provided, single submitter. Criteria: Ambry Variant Classification Scheme 2023. Collection method: clinical testing. Allele origin: germline.
Comment: The p.R828G variant (also known as c.2482C>G), located in coding exon 29 of the COL5A1 gene, results from a C to G substitution at nucleotide position 2482. The arginine at codon 828 is replaced by glycine, an amino acid with dissimilar properties. This amino acid position is highly conserved in available vertebrate species. In addition, this alteration is predicted to be deleterious by in silico analysis. Using the BDGP and ESEfinder splice site prediction tools, this alteration is predicted to weaken the efficiency of the native splice donor site; however, direct evidence is unavailable. Since supporting evidence is limited at this time, the clinical significance of this alteration remains unclear.